The following is an entry in ClinVar:

NM_005560.6(LAMA5):c.6610C>T (p.Arg2204Cys)

Gene: LAMA5 (laminin subunit alpha 5; minus strand). Cytogenetic location: 20q13.33.
Variant type: single nucleotide variant.
Coding change: c.6610C>T on transcript NM_005560.6 (MANE Select); coding-DNA position 6610, C replaced by T.
Protein change: p.Arg2204Cys; replaces arginine 2204 with cysteine.
Molecular consequence: missense variant.
Genome position (GRCh38, 1-based): chr20:62,320,777, G>A on the plus strand (C>T on the coding strand, the complement: LAMA5 is on the minus strand). VCF-style: chr20-62320777-G-A. GRCh37 (hg19) VCF-style: chr20-60895833-G-A.
Other names: short protein forms R2204C.
Identifiers: ClinVar variation 1918524 (VCV001918524.3), dbSNP rs146902684, ClinGen allele CA9941655.
Genomic context (GRCh38, chr20:62,320,777, plus strand): 5'-GGAAGGCCAGGACGCTCAGTACCTGCAGGTCAGCGATGGAGGCGTTCAGCCTGTGCAGAC[G>A]GGCCCAGGCCATGGAGCTGGCATTGATGCCACGCAGTTGCTCGTGAATGGCGGGGAGGAG-3'
Protein context (NP_005551.3, residues 2194-2214): GINASSMAWA[Arg2204Cys]LHRLNASIAD

ClinVar aggregate classification (germline): Uncertain significance (1 of 4 stars; one submission).

Allele frequency attached by ClinVar (database versions not stated): gnomAD exomes 0.00004; ExAC 0.00005; TOPMed 0.00007; ESP Exome Variant Server 0.00008; gnomAD 0.00009.
gnomAD v4.1: 76 of 1,612,536 alleles (0.0047%); highest among the groups gnomAD compares: Admixed American, 0.013%; no homozygotes.

Submission:

Labcorp Genetics (formerly Invitae), Labcorp
Classification: Uncertain significance. Last evaluated: 2025-06-12. Review status: criteria provided, single submitter. Criteria: Invitae Variant Classification Sherloc (09022015). Collection method: clinical testing. Allele origin: germline.
Comment: This sequence change replaces arginine, which is basic and polar, with cysteine, which is neutral and slightly polar, at codon 2204 of the LAMA5 protein (p.Arg2204Cys). This variant is present in population databases (rs146902684, gnomAD 0.01%). This variant has not been reported in the literature in individuals affected with LAMA5-related conditions. ClinVar contains an entry for this variant (Variation ID: 1918524). Invitae Evidence Modeling of protein sequence and biophysical properties (such as structural, functional, and spatial information, amino acid conservation, physicochemical variation, residue mobility, and thermodynamic stability) has been performed for this missense variant. However, the output from this modeling did not meet the statistical confidence thresholds required to predict the impact of this variant on LAMA5 protein function. In summary, the available evidence is currently insufficient to determine the role of this variant in disease. Therefore, it has been classified as a Variant of Uncertain Significance.